The following is an entry in ClinVar:

ClinVar aggregate classification (germline): Pathogenic (1 of 4 stars; one submission).

Submission:

Labcorp Genetics (formerly Invitae), Labcorp
Classification: Pathogenic. Last evaluated: 2023-05-22. Review status: criteria provided, single submitter. Criteria: Invitae Variant Classification Sherloc (09022015). Collection method: clinical testing. Allele origin: germline.
Comment: This variant is not present in population databases (gnomAD no frequency). This variant has not been reported in the literature in individuals affected with COL7A1-related conditions. This sequence change creates a premature translational stop signal (p.Ile540Metfs*75) in the COL7A1 gene. It is expected to result in an absent or disrupted protein product. Loss-of-function variants in COL7A1 are known to be pathogenic (PMID: 16971478). For these reasons, this variant has been classified as Pathogenic. Algorithms developed to predict the effect of sequence changes on RNA splicing suggest that this variant may create or strengthen a splice site.

Literature cited by the submitters: PubMed 16971478.

NM_000094.4(COL7A1):c.1620del (p.Ile540fs)

Gene: COL7A1 (collagen type VII alpha 1 chain; minus strand). Cytogenetic location: 3p21.31.
Variant type: Deletion.
Coding change: c.1620del on transcript NM_000094.4 (MANE Select); coding-DNA position 1620, one base deleted (T; older notation c.1620delT).
Protein change: p.Ile540fs; shifts the reading frame from isoleucine 540.
Molecular consequence: frameshift variant.
Genome position (GRCh38, 1-based): chr3:48,591,480, A deleted on the plus strand (T on the coding strand, the reverse complement: COL7A1 is on the minus strand); the first of 2 consecutive A bases (chr3:48,591,480-48,591,481); deleting either gives the same sequence. VCF-style (leftmost placement, unchanged base first): chr3-48591479-CA-C. GRCh37 (hg19) VCF-style: chr3-48628912-CA-C.
Other names: short protein forms I540fs.
Identifiers: ClinVar variation 2867152 (VCV002867152.3), dbSNP rs2531309664, ClinGen allele CA2665623932.